The following is an entry in ClinVar:

GRCh37/hg19 11q22.1-22.3(chr11:101504957-108516865)x1

Genes: AASDHPPT (aminoadipate-semialdehyde dehydrogenase-phosphopantetheinyl transferase; plus strand), ACAT1 (acetyl-CoA acetyltransferase 1; plus strand), ALKBH8 (alkB homolog 8, tRNA methyltransferase; minus strand), ANGPTL5 (angiopoietin like 5; minus strand), ATM (ATM serine/threonine kinase; plus strand) and 40 more. Cytogenetic location: 11q22.1-22.3.
Variant type: copy number loss.
Change: copy number 1 (one copy instead of two) of chr11:101,504,957-108,516,865 (7.01 Mb, GRCh37 coordinates, 1-based), cytogenetic band 11q22.1-22.3.
Identifiers: ClinVar variation 4682792 (VCV004682792.1).

ClinVar aggregate classification (germline): Pathogenic (1 of 4 stars; one submission).

Submission:

Quest Diagnostics Nichols Institute San Juan Capistrano
Classification: Pathogenic. Last evaluated: 2024-11-06. Review status: criteria provided, single submitter. Criteria: ACMG/ClinGen CNV Guidelines, 2019. Collection method: clinical testing. Allele origin: unknown.
Comment: This 11q22.1q22.3 deletion involves at least 45 protein-coding genes, including the entire ATM gene (OMIM 607585). Haploinsufficiency of ATM gene has been associated with an increased susceptibility to certain cancer types including breast and prostate cancer (OMIM 114480). Overlapping deletions have been reported in individuals with variable phenotypes (Krgovic 2011, Wan 2022). There are no similar copy number losses of this region in the general populations of the Database of Genomic Variants. Thus, based on current medical literature and gene content, this copy number variant (CNV) is classified as pathogenic. References: Krgovic et al., Mol Cytogenet. 2011 Aug 22:4:17. PMID: 21859473 Wan et al., J Clin Immunol. 2022 Jul;42(5):1083-1092. PMID: 35486341